The following is an entry in ClinVar:

NM_000639.3(FASLG):c.739del (p.Ala247fs)

Gene: FASLG (Fas ligand; plus strand). Cytogenetic location: 1q24.3.
Variant type: Deletion.
Coding change: c.739del on transcript NM_000639.3 (MANE Select); coding-DNA position 739, one base deleted (G; older notation c.739delG).
Protein change: p.Ala247fs; shifts the reading frame from alanine 247.
Molecular consequence: frameshift variant. On other transcripts: 3 prime UTR variant (1).
Genome position (GRCh38, 1-based): chr1:172,665,909, G deleted; the last of 5 consecutive G bases (chr1:172,665,905-172,665,909); deleting any one gives the same sequence. VCF-style (leftmost placement, unchanged base first): chr1-172665904-TG-T. GRCh37 (hg19) VCF-style: chr1-172635044-TG-T.
Other names: NP_000630.1:p.(Ala247Glnfs*46); c.*309del (NM_001302746.2); short protein forms A247fs.
Identifiers: ClinVar variation 3393343 (VCV003393343.2).

ClinVar aggregate classification (germline): Likely pathogenic (1 of 4 stars; one submission).

Conditions:
Autoimmune lymphoproliferative syndrome type 1. Also called: AUTOIMMUNE LYMPHOPROLIFERATIVE SYNDROME, TYPE I, AUTOSOMAL DOMINANT. Identifiers: Orphanet 3261, MedGen C2717884, MONDO:0011158, OMIM 601859.

Submission:

Paediatric Laboratory, Institute for Maternal and Child Health - IRCCS Burlo Garofolo
Classification: Likely pathogenic for Autoimmune lymphoproliferative syndrome type 1. Last evaluated: 2024-12-02. Review status: criteria provided, single submitter. Criteria: ACMG Guidelines, 2015. Collection method: clinical testing. Allele origin: germline. Affected: yes.
Comment: The NM_000639.3:c.739del variant is predicted to cause a frameshift, leading to the generation of a premature stop codon. Loss of function is a well-established pathogenic mechanism for the FASL gene [PVS1]. Furthermore, this variant is absent from the gnomAD v4.1.0 population database [PM2].